The following is an entry in ClinVar:

NM_000548.5(TSC2):c.1406T>C (p.Leu469Pro)

Gene: TSC2 (TSC complex subunit 2; plus strand). Cytogenetic location: 16p13.3.
Variant type: single nucleotide variant.
Coding change: c.1406T>C on transcript NM_000548.5 (MANE Select); coding-DNA position 1406, T replaced by C.
Protein change: p.Leu469Pro; replaces leucine 469 with proline.
Molecular consequence: missense variant. On other transcripts: non-coding transcript variant (5), intron variant (1).
Genome position (GRCh38, 1-based): chr16:2,063,016, T>C. VCF-style: chr16-2063016-T-C. GRCh37 (hg19) VCF-style: chr16-2113017-T-C.
Other names: c.1406T>C (NM_000548.4); c.1406T>C, p.Leu469Pro (NM_001077183.3, NM_001114382.3, NM_021055.3 and 6 more transcripts); c.1496T>C, p.Leu499Pro (NM_001406667.1, NM_001406668.1); c.1295T>C, p.Leu432Pro (NM_001406670.1, NM_001406678.1, NM_001318827.2); c.1394T>C, p.Leu465Pro (NM_001406671.1, NM_001406673.1); c.1259T>C, p.Leu420Pro (NM_001406675.1, NM_001406676.1, NM_001318829.2 and 1 more transcripts); c.1349T>C, p.Leu450Pro (NM_001406677.1); c.62T>C, p.Leu21Pro (NM_001406689.1, NM_001406690.1, NM_001406691.1 and 6 more transcripts); and 4 more; short protein forms L315P, L420P, L432P, L480P, L21P, L450P, L469P, L269P.
Identifiers: ClinVar variation 2768404 (VCV002768404.7), dbSNP rs2151172242, ClinGen allele CA394323885.

ClinVar aggregate classification (germline): Uncertain significance. Review status: criteria provided, multiple submitters, no conflicts (2 of 4 stars). 4 submissions from 4 submitters: Uncertain significance (3). 1 of the submissions does not count toward it. Last evaluated 2025-10-16.

Conditions:
Tuberous sclerosis 2 (TSC2). Identifiers: Orphanet 805, MedGen C1860707, MONDO:0013199, OMIM 613254.
TSC2-related disorder. Also called: TSC2-related condition; TSC2-Related Disorders.
Hereditary cancer-predisposing syndrome. Also called: Neoplastic Syndromes, Hereditary; Tumor predisposition; Hereditary neoplastic syndrome; Hereditary Cancer Syndrome. Identifiers: Orphanet 140162, MedGen C0027672, MeSH D009386, MONDO:0015356.

Submissions (4):

GeneDx
Classification: Uncertain significance. Last evaluated: 2025-10-16. Review status: criteria provided, single submitter. Criteria: GeneDx Variant Classification Process June 2021. Collection method: clinical testing. Allele origin: germline.
Comment: Not observed at significant frequency in large population cohorts (gnomAD); In silico analysis supports that this missense variant has a deleterious effect on protein structure/function; Has not been previously published as pathogenic or benign to our knowledge

Ambry Genetics
Classification: Uncertain significance for Hereditary cancer-predisposing syndrome. Last evaluated: 2025-01-17. Review status: criteria provided, single submitter. Criteria: Ambry Variant Classification Scheme 2023. Collection method: clinical testing. Allele origin: germline.
Comment: The p.L469P variant (also known as c.1406T>C), located in coding exon 13 of the TSC2 gene, results from a T to C substitution at nucleotide position 1406. The leucine at codon 469 is replaced by proline, an amino acid with similar properties. This amino acid position is conserved. In addition, this alteration is predicted to be deleterious by in silico analysis. Based on the available evidence, the clinical significance of this variant remains unclear.

Labcorp Genetics (formerly Invitae), Labcorp
Classification: Uncertain significance for Tuberous sclerosis 2. Last evaluated: 2024-09-25. Review status: criteria provided, single submitter. Criteria: Invitae Variant Classification Sherloc (09022015). Collection method: clinical testing. Allele origin: germline.
Comment: This sequence change replaces leucine, which is neutral and non-polar, with proline, which is neutral and non-polar, at codon 469 of the TSC2 protein (p.Leu469Pro). This variant is not present in population databases (gnomAD no frequency). This missense change has been observed in individual(s) with clinical features of tuberous sclerosis complex (internal data). It has also been observed to segregate with disease in related individuals. Invitae Evidence Modeling of protein sequence and biophysical properties (such as structural, functional, and spatial information, amino acid conservation, physicochemical variation, residue mobility, and thermodynamic stability) indicates that this missense variant is not expected to disrupt TSC2 protein function with a negative predictive value of 95%. In summary, the available evidence is currently insufficient to determine the role of this variant in disease. Therefore, it has been classified as a Variant of Uncertain Significance.

PreventionGenetics, part of Exact Sciences
Classification: Uncertain significance for TSC2-related condition. Last evaluated: 2024-05-09. Review status: no assertion criteria provided. Collection method: clinical testing. Allele origin: germline. Not counted in ClinVar's aggregate classification.
Comment: The TSC2 c.1406T>C variant is predicted to result in the amino acid substitution p.Leu469Pro. To our knowledge, this variant has not been reported in the literature or in a large population database, indicating this variant is rare. At this time, the clinical significance of this variant is uncertain due to the absence of conclusive functional and genetic evidence.